The following is an entry in ClinVar:

ClinVar aggregate classification (germline): Benign/Likely benign. Review status: criteria provided, multiple submitters, no conflicts (2 of 4 stars). 4 submissions from 4 submitters: Benign (1); Likely benign (1). 2 of the submissions do not count toward it. Last evaluated 2019-11-22.

Conditions:
Renal hypomagnesemia 2 (HOMG2). Also called: MAGNESIUM LOSS, ISOLATED RENAL. Identifiers: Orphanet 34528, MedGen C1835171, MONDO:0007937, OMIM 154020.

Allele frequency attached by ClinVar (database versions not stated): 1000 Genomes Project 30x 0.00250; 1000 Genomes Project 0.00260; TOPMed 0.00634; gnomAD exomes 0.00669; ExAC 0.00682; gnomAD 0.00710 and 0.00767; ESP Exome Variant Server 0.00731.
gnomAD v4.1: 15,567 of 1,613,678 alleles (0.96%); highest among the groups gnomAD compares: Non-Finnish European, 1.2%; 85 homozygotes.

Submissions (4):

GeneDx
Classification: Likely benign. Last evaluated: 2019-11-22. Review status: criteria provided, single submitter. Criteria: GeneDx Variant Classification Process June 2021. Collection method: clinical testing. Allele origin: germline. Affected: yes.

Illumina Laboratory Services, Illumina
Classification: Benign for Renal hypomagnesemia 2. Last evaluated: 2018-01-13. Review status: criteria provided, single submitter. Criteria: ICSL Variant Classification Criteria 13 December 2019. Collection method: clinical testing. Allele origin: germline.
Comment: This variant was observed in the ICSL laboratory as part of a predisposition screen in an ostensibly healthy population. It had not been previously curated by ICSL or reported in the Human Gene Mutation Database (HGMD: prior to June 1st, 2018), and was therefore a candidate for classification through an automated scoring system. Utilizing variant allele frequency, disease prevalence and penetrance estimates, and inheritance mode, an automated score was calculated to assess if this variant is too frequent to cause the disease. Based on the score and internal cut-off values, a variant classified as benign is not then subjected to further curation. The score for this variant resulted in a classification of benign for this disease.

Genome Diagnostics Laboratory, University Medical Center Utrecht
Classification: Benign. Review status: no assertion criteria provided. Collection method: clinical testing. Allele origin: germline. Affected: yes. Study: VKGL Data-share Consensus. Not counted in ClinVar's aggregate classification.

Laboratory of Diagnostic Genome Analysis, Leiden University Medical Center (LUMC)
Classification: Likely benign. Review status: no assertion criteria provided. Collection method: clinical testing. Allele origin: germline. Affected: yes. Study: VKGL Data-share Consensus. Not counted in ClinVar's aggregate classification.

NM_001680.5(FXYD2):c.*6+6C>A

Genes: FXYD2 (FXYD domain containing ion transport regulator 2; minus strand), FXYD6-FXYD2 (FXYD6-FXYD2 readthrough; minus strand). Cytogenetic location: 11q23.3.
Variant type: single nucleotide variant.
Coding change: c.*6+6C>A on transcript NM_001680.5 (MANE Select); 6 bases into the intron after 6 bases downstream of the stop codon, C replaced by A.
Molecular consequence: intron variant.
Genome position (GRCh38, 1-based): chr11:117,820,660, G>T on the plus strand (C>A on the coding strand, the complement: FXYD2 is on the minus strand). VCF-style: chr11-117820660-G-T. GRCh37 (hg19) VCF-style: chr11-117691375-G-T.
Other names: c.*40+6C>A (NM_001243598.4); c.*6+6C>A (NM_001204268.3, NM_021603.4).
Identifiers: ClinVar variation 302520 (VCV000302520.8), dbSNP rs11827585, ClinGen allele CA6297737.